The following is an entry in ClinVar:

ClinVar aggregate classification (germline): Likely pathogenic (1 of 4 stars; one submission).

Conditions:
X-linked scapuloperoneal muscular dystrophy. Also called: SCAPULOPERONEAL MYOPATHY, FHL1-RELATED. Identifiers: Orphanet 431272, MedGen C2678061, MONDO:0010400, OMIM 300695.
Myopathy, reducing body, X-linked, childhood-onset (RBMX1B). Also called: REDUCING BODY MYOPATHY, X-LINKED 1B, WITH LATE CHILDHOOD OR ADULT ONSET. Identifiers: Orphanet 97239, MedGen C4225159, MONDO:0010415, OMIM 300718.
Myopathy, reducing body, X-linked, early-onset, severe (RBMX1A). Also called: REDUCING BODY MYOPATHY, X-LINKED 1, SEVERE, WITH INFANTILE OR EARLY CHILDHOOD ONSET. Identifiers: Orphanet 97239, MedGen C4225423, MONDO:0010414, OMIM 300717.
X-linked myopathy with postural muscle atrophy. Also called: FHL1-Related Emery-Dreifuss Muscular Dystrophy, X-Linked. Identifiers: Orphanet 178461, MedGen C2678055, MONDO:0010401, OMIM 300696.

Submission:

Kariminejad - Najmabadi Pathology & Genetics Center
Classification: Likely pathogenic for X-linked myopathy with postural muscle atrophy; Myopathy, reducing body, X-linked, early-onset, severe; Myopathy, reducing body, X-linked, childhood-onset; X-linked scapuloperoneal muscular dystrophy. Last evaluated: 2022-02-17. Review status: criteria provided, single submitter. Criteria: ACMG Guidelines, 2015. Collection method: clinical testing. Allele origin: germline. Inheritance: X-linked inheritance. Affected: yes.
Comment: PM1,PM2,PM5,PP3

NM_001159699.2(FHL1):c.350G>T (p.Cys117Phe)

Gene: FHL1 (four and a half LIM domains 1; plus strand). Cytogenetic location: Xq26.3.
Variant type: single nucleotide variant.
Coding change: c.350G>T on transcript NM_001159699.2 (MANE Select); coding-DNA position 350, G replaced by T.
Protein change: p.Cys117Phe; replaces cysteine 117 with phenylalanine.
Molecular consequence: missense variant. On other transcripts: non-coding transcript variant (1).
Genome position (GRCh38, 1-based): chrX:136,207,161, G>T. VCF-style: chrX-136207161-G-T. GRCh37 (hg19) VCF-style: chrX-135289320-G-T.
Other names: c.302G>T, p.Cys101Phe (NM_001159700.2, NM_001159702.3, NM_001159703.2 and 9 more transcripts); c.389G>T, p.Cys130Phe (NM_001159701.2); c.350G>T, p.Cys117Phe (NM_001330659.2); short protein forms C101F, C117F, C130F.
Identifiers: ClinVar variation 3896865 (VCV003896865.1), dbSNP rs2148373642.
Genomic context (GRCh38, chrX:136,207,161, plus strand): 5'-TGGCCAAGGACAACAAGATCCTGTGCAACAAGTGCACCACTCGGGAGGACTCCCCCAAGT[G>T]CAAGGGGTGCTTCAAGGCCATTGTGGCAGGTACTGCCTCCTTCCCACCCCGGGTTCCCAG-3'
Protein context (NP_001153171.1, residues 107-127): KCTTREDSPK[Cys117Phe]KGCFKAIVAG